The following is an entry in ClinVar:

ClinVar aggregate classification (germline): Conflicting classifications of pathogenicity. Review status: criteria provided, conflicting classifications (1 of 4 stars). 6 submissions from 6 submitters: Uncertain significance (1); Benign (1); Likely benign (4). Last evaluated 2025-07-27.

Conditions:
Hereditary cancer-predisposing syndrome. Also called: Hereditary neoplastic syndrome; Neoplastic Syndromes, Hereditary; Tumor predisposition; Hereditary Cancer Syndrome. Identifiers: Orphanet 140162, MedGen C0027672, MeSH D009386, MONDO:0015356.
Familial adenomatous polyposis 1 (FAP1). Also called: POLYPOSIS, ADENOMATOUS INTESTINAL; FAMILIAL ADENOMATOUS POLYPOSIS 1, ATTENUATED. Identifiers: MedGen C2713442, MONDO:0021056, OMIM 175100. Disease mechanism: loss of function.
Classic or attenuated familial adenomatous polyposis. Identifiers: MedGen CN372698, MONDO:0021057.

Submissions (6):

Labcorp Genetics (formerly Invitae), Labcorp
Classification: Likely benign for Familial adenomatous polyposis 1. Last evaluated: 2025-07-27. Review status: criteria provided, single submitter. Criteria: Invitae Variant Classification Sherloc (09022015). Collection method: clinical testing. Allele origin: germline.

Myriad Genetics, Inc.
Classification: Benign for Familial adenomatous polyposis 1. Last evaluated: 2024-02-22. Review status: criteria provided, single submitter. Criteria: Myriad Autosomal Dominant, Autosomal Recessive and X-Linked Classification Criteria (2023). Collection method: clinical testing. Allele origin: unknown.
Comment: This variant is considered benign. This variant is a silent/synonymous amino acid change and it is not expected to impact splicing.

All of Us Research Program, National Institutes of Health
Classification: Likely benign for Classic or attenuated familial adenomatous polyposis. Last evaluated: 2023-07-10. Review status: criteria provided, single submitter. Criteria: ACMG Guidelines, 2015. Collection method: clinical testing. Allele origin: germline. Inheritance: Autosomal dominant inheritance. Observed: 1 variant allele, 1 heterozygote.
Comment: This study involves interpretation of variants in research participants for the purpose of population health screening. Participant phenotype was not available at the time of variant classification. Additional details can be found in publication PMID: 35346344, PMCID: PMC8962531

Color Diagnostics, LLC DBA Color Health
Classification: Likely benign for Hereditary cancer-predisposing syndrome. Last evaluated: 2023-06-28. Review status: criteria provided, single submitter. Criteria: ACMG Guidelines, 2015. Collection method: clinical testing. Allele origin: germline.

Quest Diagnostics Nichols Institute San Juan Capistrano
Classification: Uncertain significance. Last evaluated: 2023-06-08. Review status: criteria provided, single submitter. Criteria: Quest Diagnostics criteria. Collection method: clinical testing. Allele origin: unknown.
Comment: To the best of our knowledge, this variant has not been reported in the published literature. It also has not been reported in large, multi-ethnic general populations (Genome Aggregation Database). Analysis of this variant using software algorithms for the prediction of the effect of nucleotide changes on splicing yielded predictions that this variant does not affect APC mRNA splicing . Based on the available information, we are unable to determine the clinical significance of this variant.

Ambry Genetics
Classification: Likely benign for Hereditary cancer-predisposing syndrome. Last evaluated: 2018-11-30. Review status: criteria provided, single submitter. Criteria: Ambry Variant Classification Scheme 2023. Collection method: clinical testing. Allele origin: germline.

NM_000038.6(APC):c.309A>G (p.Val103=)

Gene: APC (APC regulator of Wnt signaling pathway; plus strand). Cytogenetic location: 5q22.2.
Variant type: single nucleotide variant.
Coding change: c.309A>G on transcript NM_000038.6 (MANE Select); coding-DNA position 309, A replaced by G.
Protein change: p.Val103=; no amino-acid change (valine 103 retained).
Molecular consequence: synonymous variant. On other transcripts: 5 prime UTR variant (1).
Genome position (GRCh38, 1-based): chr5:112,767,277, A>G. VCF-style: chr5-112767277-A-G. GRCh37 (hg19) VCF-style: chr5-112102974-A-G.
Other names: c.309A>G, p.Val103= (NM_001127510.3, NM_001354895.2, NM_001354896.2 and 2 more transcripts); c.339A>G, p.Val113= (NM_001127511.3, NM_001354897.2, NM_001354902.2); c.234A>G, p.Val78= (NM_001354898.2, NM_001354904.2); c.132A>G, p.Val44= (NM_001354900.2, NM_001354901.2, NM_001354905.2); c.-727A>G (NM_001354906.2).
Identifiers: ClinVar variation 215561 (VCV000215561.17), dbSNP rs863224279, ClinGen allele CA336102.